The following is an entry in ClinVar:

ClinVar aggregate classification (germline): Likely benign. Review status: criteria provided, multiple submitters, no conflicts (2 of 4 stars). 2 submissions from 2 submitters: Likely benign (2). Last evaluated 2025-11-26.

Conditions:
Methylcobalamin deficiency type cblG (HMAG). Also called: HOMOCYSTINURIA-MEGALOBLASTIC ANEMIA, cblG COMPLEMENTATION TYPE; HOMOCYSTINURIA-MEGALOBLASTIC ANEMIA, cblG TYPE; HOMOCYSTINURIA-MEGALOBLASTIC ANEMIA DUE TO DEFECT IN COBALAMIN METABOLISM, cblG COMPLEMENTATION TYPE; Functional methionine synthase deficiency type cblG. Identifiers: Orphanet 2170, Orphanet 622, MedGen C1855128, MONDO:0009609, OMIM 250940.

Allele frequency attached by ClinVar (database versions not stated): TOPMed 0.00012; gnomAD 0.00013 and 0.00014; ExAC 0.00014; gnomAD exomes 0.00014 and 0.00022; ESP Exome Variant Server 0.00015.
gnomAD v4.1: 339 of 1,611,318 alleles (0.021%); highest among the groups gnomAD compares: Non-Finnish European, 0.028%; 1 homozygote.

Submissions (3):

Labcorp Genetics (formerly Invitae), Labcorp
Classification: Likely benign for Methylcobalamin deficiency type cblG. Last evaluated: 2025-11-26. Review status: criteria provided, single submitter. Criteria: Invitae Variant Classification Sherloc (09022015). Collection method: clinical testing. Allele origin: germline.

GeneDx
Classification: Likely benign. Last evaluated: 2017-06-21. Review status: criteria provided, single submitter. Criteria: GeneDx Variant Classification (06012015). Collection method: clinical testing. Allele origin: germline. Affected: yes.
Comment: This variant is considered likely benign or benign based on one or more of the following criteria: it is a conservative change, it occurs at a poorly conserved position in the protein, it is predicted to be benign by multiple in silico algorithms, and/or has population frequency not consistent with disease.

Dr. Peter K. Rogan Lab, Western University
No classification provided (evidence only). Condition: Familial cancer of breast. Review status: no classification provided. Collection method: in vitro. Allele origin: not applicable. Functional consequence: retained intron. Not counted in ClinVar's aggregate classification.

NM_000254.3(MTR):c.35-19A>G

Gene: MTR (5-methyltetrahydrofolate-homocysteine methyltransferase; plus strand). Cytogenetic location: 1q43.
Variant type: single nucleotide variant.
Coding change: c.35-19A>G on transcript NM_000254.3 (MANE Select); 19 bases into the intron before coding-DNA position 35, A replaced by G.
Molecular consequence: intron variant.
Genome position (GRCh38, 1-based): chr1:236,803,409, A>G. VCF-style: chr1-236803409-A-G. GRCh37 (hg19) VCF-style: chr1-236966709-A-G.
Other names: c.35-19A>G (NM_001291939.1); c.-1074-19A>G (NM_001291940.2).
Identifiers: ClinVar variation 384554 (VCV000384554.9), dbSNP rs372886393, ClinGen allele CA1473619.